The following is an entry in ClinVar:

NM_001377.3(DYNC2H1):c.10946G>A (p.Arg3649His)

Gene: DYNC2H1 (dynein cytoplasmic 2 heavy chain 1; plus strand). Cytogenetic location: 11q22.3.
Variant type: single nucleotide variant.
Coding change: c.10946G>A on transcript NM_001377.3 (MANE Select); coding-DNA position 10946, G replaced by A.
Protein change: p.Arg3649His; replaces arginine 3649 with histidine.
Molecular consequence: missense variant.
Genome position (GRCh38, 1-based): chr11:103,286,310, G>A. VCF-style: chr11-103286310-G-A. GRCh37 (hg19) VCF-style: chr11-103157039-G-A.
Other names: c.10967G>A, p.Arg3656His (NM_001080463.2); short protein forms R3656H, R3649H.
Identifiers: ClinVar variation 528896 (VCV000528896.7), dbSNP rs753691638, ClinGen allele CA6255123.

ClinVar aggregate classification (germline): Uncertain significance. Review status: criteria provided, multiple submitters, no conflicts (2 of 4 stars). 2 submissions from 2 submitters: Uncertain significance (2). Last evaluated 2025-05-20.

Conditions:
Jeune thoracic dystrophy. Also called: Jeune syndrome; Infantile thoracic dystrophy; Thoracic pelvic phalangeal dystrophy; Jeune's syndrome; Chondroectodermal dysplasia-like syndrome; Short-rib thoracic dysplasia. Identifiers: Orphanet 474, MedGen C0265275, MONDO:0018770.
Asphyxiating thoracic dystrophy 3. Also called: Saldino-Noonan Syndrome; SHORT-RIB THORACIC DYSPLASIA 3 WITH OR WITHOUT POLYDACTYLY; POLYDACTYLY WITH NEONATAL CHONDRODYSTROPHY, TYPE I; SHORT-RIB THORACIC DYSPLASIA 3/6 WITH POLYDACTYLY, DIGENIC; Short rib polydactyly syndrome 2B. Identifiers: Orphanet 474, Orphanet 93269, Orphanet 93270, Orphanet 93271, MedGen C0036069, MONDO:0013127, OMIM 613091.

Allele frequency attached by ClinVar (database versions not stated): gnomAD 0.00002 and 0.00004; ExAC 0.00003; TOPMed 0.00006.
gnomAD v4.1: 68 of 1,613,670 alleles (0.0042%); highest among the groups gnomAD compares: Middle Eastern, 0.033%; no homozygotes.

Submissions (2):

ARUP Laboratories, Molecular Genetics and Genomics, ARUP Laboratories
Classification: Uncertain significance for Asphyxiating thoracic dystrophy 3. Last evaluated: 2025-05-20. Review status: criteria provided, single submitter. Criteria: ARUP Molecular Germline Variant Investigation Process 2024. Collection method: clinical testing. Allele origin: germline.
Comment: The DYNC2H1 c.10967G>A; p.Arg3656His variant (rs753691638), to our knowledge, is not reported in the medical literature but is reported in ClinVar (Variation ID: 528896). This variant is found in the general population with an overall allele frequency of 0.007% (17/ 248652 alleles) in the Genome Aggregation Database (v2.1.1). Computational analyses predict that this variant is neutral (REVEL: 0.045). Due to limited information, the clinical significance of this variant is uncertain at this time.

Labcorp Genetics (formerly Invitae), Labcorp
Classification: Uncertain significance for Jeune thoracic dystrophy. Last evaluated: 2021-08-31. Review status: criteria provided, single submitter. Criteria: Invitae Variant Classification Sherloc (09022015). Collection method: clinical testing. Allele origin: germline.
Comment: This sequence change replaces arginine with histidine at codon 3656 of the DYNC2H1 protein (p.Arg3656His). The arginine residue is highly conserved and there is a small physicochemical difference between arginine and histidine. This variant is present in population databases (rs753691638, ExAC 0.01%). This variant has not been reported in the literature in individuals affected with DYNC2H1-related conditions. Algorithms developed to predict the effect of missense changes on protein structure and function output the following: SIFT: "Tolerated"; PolyPhen-2: "Benign"; Align-GVGD: "Class C0". The histidine amino acid residue is found in multiple mammalian species, which suggests that this missense change does not adversely affect protein function. In summary, the available evidence is currently insufficient to determine the role of this variant in disease. Therefore, it has been classified as a Variant of Uncertain Significance.